The following is an entry in ClinVar:

NM_001876.4(CPT1A):c.-49TGCCGC[4]

Gene: CPT1A (carnitine palmitoyltransferase 1A; minus strand). Cytogenetic location: 11q13.3.
Variant type: Microsatellite.
Coding change: c.-49TGCCGC[4] on transcript NM_001876.4 (MANE Select); four copies in a row of the 6-base unit TGCCGC starting at c.-49; the reference has three copies in a row; one copy, 6 bases duplicated.
Molecular consequence: 5 prime UTR variant.
Genome position (GRCh38, 1-based): chr11:68,841,793-68,841,798, GCGGCA duplicated on the plus strand (TGCCGC on the coding strand, the reverse complement: CPT1A is on the minus strand); duplicating any 6 consecutive bases within chr11:68,841,793-68,841,815 gives the same sequence; the position shown is the placement nearest the transcript's 3' end. VCF-style (leftmost placement, unchanged base first): chr11-68841792-T-TGCGGCA. GRCh37 (hg19) VCF-style: chr11-68609260-T-TGCGGCA.
Other names: c.-49TGCCGC[4] (NM_001031847.3).
Identifiers: ClinVar variation 420564 (VCV000420564.1), dbSNP rs528519032, ClinGen allele CA16619394.
Genomic context (GRCh38, chr11:68,841,792, plus strand): 5'-GGCCGCCCCGCCACCCTCCCCACCGCGGGCGACCGGGCCTCACCGAGTCAGCTACGGAGG[T>TGCGGCA]GCGGCAGCGGCAGCGGCAGCGGCGGCGGCGGCGGCGGCGGTGGAGTGAACGAGCGGCGAG-3'

ClinVar aggregate classification (germline): Likely benign (1 of 4 stars; one submission).

Submission:

GeneDx
Classification: Likely benign. Last evaluated: 2018-03-15. Review status: criteria provided, single submitter. Criteria: GeneDx Variant Classification (06012015). Collection method: clinical testing. Allele origin: germline. Affected: yes.
Comment: This variant is considered likely benign or benign based on one or more of the following criteria: it is a conservative change, it occurs at a poorly conserved position in the protein, it is predicted to be benign by multiple in silico algorithms, and/or has population frequency not consistent with disease.